The following is an entry in ClinVar:

ClinVar aggregate classification (germline): Pathogenic (1 of 4 stars; one submission).

Conditions:
Familial adenomatous polyposis 1 (FAP1). Also called: FAMILIAL ADENOMATOUS POLYPOSIS 1, ATTENUATED; POLYPOSIS, ADENOMATOUS INTESTINAL. Identifiers: MedGen C2713442, MONDO:0021056, OMIM 175100. Disease mechanism: loss of function.

Submission:

Labcorp Genetics (formerly Invitae), Labcorp
Classification: Pathogenic for Familial adenomatous polyposis 1. Last evaluated: 2017-12-23. Review status: criteria provided, single submitter. Criteria: Invitae Variant Classification Sherloc (09022015). Collection method: clinical testing. Allele origin: germline.
Comment: For these reasons, this variant has been classified as Pathogenic. This sequence change creates a premature translational stop signal (p.Asp539Alafs*18) in the APC gene. It is expected to result in an absent or disrupted protein product. This variant is not present in population databases (ExAC no frequency). This variant has not been reported in the literature in individuals with APC-related disease. Loss-of-function variants in APC are known to be pathogenic (PMID: 17963004, 20685668).

Literature cited by the submitters: PubMed 17963004; PubMed 20685668.

NM_000038.6(APC):c.1616_1623del (p.Asp539fs)

Gene: APC (APC regulator of Wnt signaling pathway; plus strand). Cytogenetic location: 5q22.2.
Variant type: Deletion.
Coding change: c.1616_1623del on transcript NM_000038.6 (MANE Select); coding-DNA positions 1616 to 1623, 8 bases deleted (ACTTACAG; older notation c.1616_1623delACTTACAG).
Protein change: p.Asp539fs; shifts the reading frame from aspartic acid 539.
Molecular consequence: frameshift variant.
Genome position (GRCh38, 1-based): chr5:112,827,996-112,828,003, ACTTACAG deleted; deleting any 8 consecutive bases within chr5:112,827,994-112,828,003 gives the same sequence; the c. name uses the placement nearest the transcript's 3' end. VCF-style (leftmost placement, unchanged base first): chr5-112827993-AAGACTTAC-A. GRCh37 (hg19) VCF-style: chr5-112163690-AAGACTTAC-A.
Other names: c.1616_1623del, p.Asp539fs (NM_001127510.3, NM_001354895.2); c.1562_1569del, p.Asp521fs (NM_001127511.3); c.1670_1677del, p.Asp557fs (NM_001354896.2); c.1646_1653del, p.Asp549fs (NM_001354897.2); c.1541_1548del, p.Asp514fs (NM_001354898.2); c.1532_1539del, p.Asp511fs (NM_001354899.2); c.1493_1500del, p.Asp498fs (NM_001354900.2); c.1439_1446del, p.Asp480fs (NM_001354901.2); and 5 more; short protein forms D480fs, D521fs, D539fs, D557fs, D438fs, D448fs, D498fs, D549fs.
Identifiers: ClinVar variation 537572 (VCV000537572.8), dbSNP rs1554081910, ClinGen allele CA658796566.
Genomic context (GRCh38, chr5:112,827,993, plus strand): 5'-CGCTATGCTCTATGAAAGGCTGCATGAGAGCACTTGTGGCCCAACTAAAATCTGAAAGTG[AAGACTTAC>A]AGCAGGTACTATTTAGAATTTCACCTGTTTTTCTTTTTTCTCTTTTTCTTTGAGGCAGGG-3'